The following is an entry in ClinVar:

NM_213599.3(ANO5):c.197A>G (p.Gln66Arg)

Gene: ANO5 (anoctamin 5; plus strand). Cytogenetic location: 11p14.3.
Variant type: single nucleotide variant.
Coding change: c.197A>G on transcript NM_213599.3 (MANE Select); coding-DNA position 197, A replaced by G.
Protein change: p.Gln66Arg; replaces glutamine 66 with arginine.
Molecular consequence: missense variant.
Genome position (GRCh38, 1-based): chr11:22,221,113, A>G. VCF-style: chr11-22221113-A-G. GRCh37 (hg19) VCF-style: chr11-22242659-A-G.
Other names: c.194A>G, p.Gln65Arg (NM_001142649.2); short protein forms Q66R, Q65R.
Identifiers: ClinVar variation 1506063 (VCV001506063.6), dbSNP rs1852632637, ClinGen allele CA379925164.
Genomic context (GRCh38, chr11:22,221,113, plus strand): 5'-AATAAAACTATAATTTACAATTGTGTCATTTATGTCTCCTGCAGTTTCAAAAAAATCAGC[A>G]AAGCAAAGATTCTATCTTCTTCCGAGATGGGATTAGGCAAATTGATTTTGTGCTTTCCTA-3'
Protein context (NP_998764.1, residues 56-76): RRRLMFQKNQ[Gln66Arg]SKDSIFFRDG

ClinVar aggregate classification (germline): Uncertain significance (1 of 4 stars; one submission).

Conditions:
Gnathodiaphyseal dysplasia (GDD). Also called: GNATHODIAPHYSEAL SCLEROSIS; OSTEOGENESIS IMPERFECTA WITH UNUSUAL SKELETAL LESIONS. Identifiers: Orphanet 53697, MedGen C1833736, MONDO:0008151, OMIM 166260.
Autosomal recessive limb-girdle muscular dystrophy type 2L (LGMDR12). Also called: Limb-girdle muscular dystrophy, type 2L; MUSCULAR DYSTROPHY, LIMB-GIRDLE, AUTOSOMAL RECESSIVE 12; Limb-Girdle Muscular Dystrophy R12 Anoctamin-5-Related (LGMD-R12). Identifiers: Orphanet 206549, MedGen C1969785, MONDO:0012652, OMIM 611307.

Allele frequency attached by ClinVar (database versions not stated): TOPMed below 0.00001.
gnomAD v4.1: 1 of 1,611,518 alleles (0.000062%); no homozygotes.

Submission:

Labcorp Genetics (formerly Invitae), Labcorp
Classification: Uncertain significance for Autosomal recessive limb-girdle muscular dystrophy type 2L; Gnathodiaphyseal dysplasia. Last evaluated: 2026-02-01. Review status: criteria provided, single submitter. Criteria: Invitae Variant Classification Sherloc (09022015). Collection method: clinical testing. Allele origin: germline.
Comment: This sequence change replaces glutamine, which is neutral and polar, with arginine, which is basic and polar, at codon 66 of the ANO5 protein (p.Gln66Arg). This variant is not present in population databases (gnomAD no frequency). This variant has not been reported in the literature in individuals affected with ANO5-related conditions. ClinVar contains an entry for this variant (Variation ID: 1506063). Invitae Evidence Modeling of protein sequence and biophysical properties (such as structural, functional, and spatial information, amino acid conservation, physicochemical variation, residue mobility, and thermodynamic stability) has been performed for this missense variant. However, the output from this modeling did not meet the statistical confidence thresholds required to predict the impact of this variant on ANO5 protein function. In summary, the available evidence is currently insufficient to determine the role of this variant in disease. Therefore, it has been classified as a Variant of Uncertain Significance.